The following is an entry in ClinVar:

ClinVar aggregate classification (germline): Likely pathogenic (1 of 4 stars; one submission).

Conditions:
Fabry disease. Also called: ALPHA-GALACTOSIDASE A DEFICIENCY; ANDERSON-FABRY DISEASE; CERAMIDE TRIHEXOSIDASE DEFICIENCY; GLA DEFICIENCY; HEREDITARY DYSTOPIC LIPIDOSIS; Angiokeratoma corporis diffusum. Identifiers: Orphanet 324, MedGen C0002986, MONDO:0010526, OMIM 301500, HP:0001071. Disease mechanism: Fabry disease is due to inactivating mutations in the X-linked GLA gene resulting in deficiency of the enzyme Alpha Galactosidase-A., loss of function.

Submission:

Genomenon, Inc
Classification: Likely pathogenic for Fabry disease. Last evaluated: 2026-09-08. Review status: criteria provided, single submitter. Criteria: Genomenon Sequence Variant Interpretation Standards - Updated. Collection method: curation. Allele origin: germline. Affected: yes.
Comment: GLA p.Leu16Arg (c.47T>G) is a missense variant that changes the amino acid at codon 16 from Leucine to Arginine. This variant has been observed in at least one proband with clinical features consistent with Fabry disease (PMID:30386727). At least one functional study has demonstrated a substantial alteration in protein function relative to the wild-type (PMID:32023956). It is absent or not present at a significant frequency in gnomAD. In conclusion, we classify GLA p.Leu16Arg (c.47T>G) as a likely pathogenic variant.

Literature cited by the submitters: PubMed 30386727; PubMed 32023956.

NM_000169.3(GLA):c.47T>G (p.Leu16Arg)

Genes: GLA (galactosidase alpha; minus strand), RPL36A-HNRNPH2 (RPL36A-HNRNPH2 readthrough; plus strand). Cytogenetic location: Xq22.1.
Variant type: single nucleotide variant.
Coding change: c.47T>G on transcript NM_000169.3 (MANE Select); coding-DNA position 47, T replaced by G.
Protein change: p.Leu16Arg; replaces leucine 16 with arginine.
Molecular consequence: missense variant. On other transcripts: non-coding transcript variant (3), intron variant (2).
Genome position (GRCh38, 1-based): chrX:101,407,857, A>C on the plus strand (T>G on the coding strand, the complement: GLA is on the minus strand). VCF-style: chrX-101407857-A-C. GRCh37 (hg19) VCF-style: chrX-100662845-A-C.
Other names: c.47T>G, p.Leu16Arg (NM_001406747.1, NM_001406748.1, NM_001406749.1); c.301-4079A>C (NM_001199973.2); c.178-4079A>C (NM_001199974.2); short protein forms L16R.
Identifiers: ClinVar variation 4087303 (VCV004087303.2), dbSNP rs869312310.